The following is an entry in ClinVar:

NM_000081.4(LYST):c.4484A>G (p.Lys1495Arg)

Gene: LYST (lysosomal trafficking regulator; minus strand). Cytogenetic location: 1q42.3.
Variant type: single nucleotide variant.
Coding change: c.4484A>G on transcript NM_000081.4 (MANE Select); coding-DNA position 4484, A replaced by G.
Protein change: p.Lys1495Arg; replaces lysine 1495 with arginine.
Molecular consequence: missense variant.
Genome position (GRCh38, 1-based): chr1:235,791,758, T>C on the plus strand (A>G on the coding strand, the complement: LYST is on the minus strand). VCF-style: chr1-235791758-T-C. GRCh37 (hg19) VCF-style: chr1-235955058-T-C.
Other names: c.4484A>G, p.Lys1495Arg (NM_001301365.1); short protein forms K1495R.
Identifiers: ClinVar variation 1918705 (VCV001918705.2), dbSNP rs2526907376, ClinGen allele CA344959242.

ClinVar aggregate classification (germline): Uncertain significance (1 of 4 stars; one submission).

Conditions:
Chédiak-Higashi syndrome (CHS). Also called: Chediak-Higashi Syndrome. Identifiers: Orphanet 167, MedGen C0007965, MONDO:0008963, OMIM 214500.

Submission:

Labcorp Genetics (formerly Invitae), Labcorp
Classification: Uncertain significance for Chédiak-Higashi syndrome. Last evaluated: 2022-04-04. Review status: criteria provided, single submitter. Criteria: Invitae Variant Classification Sherloc (09022015). Collection method: clinical testing. Allele origin: germline.
Comment: This sequence change replaces lysine, which is basic and polar, with arginine, which is basic and polar, at codon 1495 of the LYST protein (p.Lys1495Arg). This variant is not present in population databases (gnomAD no frequency). This variant has not been reported in the literature in individuals affected with LYST-related conditions. Algorithms developed to predict the effect of missense changes on protein structure and function output the following: SIFT: "Tolerated"; PolyPhen-2: "Benign"; Align-GVGD: "Class C0". The arginine amino acid residue is found in multiple mammalian species, which suggests that this missense change does not adversely affect protein function. In summary, the available evidence is currently insufficient to determine the role of this variant in disease. Therefore, it has been classified as a Variant of Uncertain Significance.